The following is an entry in ClinVar:

NM_004415.4(DSP):c.5674A>G (p.Lys1892Glu)

Gene: DSP (desmoplakin; plus strand). Cytogenetic location: 6p24.3.
Variant type: single nucleotide variant.
Coding change: c.5674A>G on transcript NM_004415.4 (MANE Select); coding-DNA position 5674, A replaced by G.
Protein change: p.Lys1892Glu; replaces lysine 1892 with glutamic acid.
Molecular consequence: missense variant.
Genome position (GRCh38, 1-based): chr6:7,582,936, A>G. VCF-style: chr6-7582936-A-G. GRCh37 (hg19) VCF-style: chr6-7583169-A-G.
Other names: c.3877A>G, p.Lys1293Glu (NM_001008844.3); c.4345A>G, p.Lys1449Glu (NM_001319034.2); short protein forms K1293E, K1892E, K1449E.
Identifiers: ClinVar variation 2943182 (VCV002943182.3), dbSNP rs2533936989, ClinGen allele CA362689157.
Genomic context (GRCh38, chr6:7,582,936, plus strand): 5'-TCCCGCAAGGAGGAGGCTATTAGGAAGATAGAATCGGAAAGAGAAAAGAGTGAGAGAGAG[A>G]AGAACAGTCTTAGGAGTGAGATCGAAAGACTCCAAGCAGAGATCAAGAGAATTGAAGAGA-3'
Protein context (NP_004406.2, residues 1882-1902): ESEREKSERE[Lys1892Glu]NSLRSEIERL

ClinVar aggregate classification (germline): Uncertain significance (1 of 4 stars; one submission).

Conditions:
Arrhythmogenic cardiomyopathy with wooly hair and keratoderma. Also called: Arrhythmogenic cardiomyopathy with woolly hair and keratoderma; PALMOPLANTAR KERATODERMA WITH LEFT VENTRICULAR CARDIOMYOPATHY AND WOOLLY HAIR; Carvajal syndrome; Dilated cardiomyopathy with woolly hair and keratoderma. Identifiers: Orphanet 65282, MedGen C1854063, MONDO:0011581, OMIM 605676.
Arrhythmogenic right ventricular dysplasia 8 (ARVD8). Also called: Arrhythmogenic Right Ventricular Dysplasia/Cardiomyopathy 8; ARRHYTHMOGENIC RIGHT VENTRICULAR DYSPLASIA, FAMILIAL, 8; ARRHYTHMOGENIC RIGHT VENTRICULAR CARDIOMYOPATHY 8. Identifiers: MedGen C1843896, MONDO:0011831, OMIM 607450.

Submission:

Labcorp Genetics (formerly Invitae), Labcorp
Classification: Uncertain significance for Arrhythmogenic cardiomyopathy with wooly hair and keratoderma; Arrhythmogenic right ventricular dysplasia 8. Last evaluated: 2023-01-14. Review status: criteria provided, single submitter. Criteria: Invitae Variant Classification Sherloc (09022015). Collection method: clinical testing. Allele origin: germline.
Comment: Algorithms developed to predict the effect of missense changes on protein structure and function are either unavailable or do not agree on the potential impact of this missense change (SIFT: "Tolerated"; PolyPhen-2: "Probably Damaging"; Align-GVGD: "Class C0"). This variant has not been reported in the literature in individuals affected with DSP-related conditions. This variant is not present in population databases (gnomAD no frequency). This sequence change replaces lysine, which is basic and polar, with glutamic acid, which is acidic and polar, at codon 1892 of the DSP protein (p.Lys1892Glu). In summary, the available evidence is currently insufficient to determine the role of this variant in disease. Therefore, it has been classified as a Variant of Uncertain Significance.